The following is an entry in ClinVar:

NM_015909.4(NBAS):c.5107A>G (p.Thr1703Ala)

Gene: NBAS (NBAS subunit of NRZ tethering complex; minus strand). Cytogenetic location: 2p24.3.
Variant type: single nucleotide variant.
Coding change: c.5107A>G on transcript NM_015909.4 (MANE Select); coding-DNA position 5107, A replaced by G.
Protein change: p.Thr1703Ala; replaces threonine 1703 with alanine.
Molecular consequence: missense variant. On other transcripts: non-coding transcript variant (1).
Genome position (GRCh38, 1-based): chr2:15,287,104, T>C on the plus strand (A>G on the coding strand, the complement: NBAS is on the minus strand). VCF-style: chr2-15287104-T-C. GRCh37 (hg19) VCF-style: chr2-15427228-T-C.
Other names: short protein forms T1703A.
Identifiers: ClinVar variation 2131323 (VCV002131323.4), dbSNP rs2528174785, ClinGen allele CA345886758.

ClinVar aggregate classification (germline): Uncertain significance (1 of 4 stars; one submission).

Submission:

Labcorp Genetics (formerly Invitae), Labcorp
Classification: Uncertain significance. Last evaluated: 2022-04-28. Review status: criteria provided, single submitter. Criteria: Invitae Variant Classification Sherloc (09022015). Collection method: clinical testing. Allele origin: germline.
Comment: This sequence change replaces threonine, which is neutral and polar, with alanine, which is neutral and non-polar, at codon 1703 of the NBAS protein (p.Thr1703Ala). This variant is not present in population databases (gnomAD no frequency). This variant has not been reported in the literature in individuals affected with NBAS-related conditions. Algorithms developed to predict the effect of missense changes on protein structure and function are either unavailable or do not agree on the potential impact of this missense change (SIFT: "Deleterious"; PolyPhen-2: "Benign"; Align-GVGD: "Class C55"). In summary, the available evidence is currently insufficient to determine the role of this variant in disease. Therefore, it has been classified as a Variant of Uncertain Significance.